The following is an entry in ClinVar:

ClinVar aggregate classification (germline): Uncertain significance (1 of 4 stars; one submission).

Conditions:
Dyskeratosis congenita. Identifiers: Orphanet 1775, MedGen C0265965, MONDO:0015780.

Allele frequency attached by ClinVar (database versions not stated): TOPMed below 0.00001; gnomAD 0.00001; gnomAD exomes 0.00002.
gnomAD v4.1: 6 of 1,558,302 alleles (0.00039%); highest among the groups gnomAD compares: East Asian, 0.0096%; no homozygotes.

Submission:

Labcorp Genetics (formerly Invitae), Labcorp
Classification: Uncertain significance for Dyskeratosis congenita. Last evaluated: 2021-10-10. Review status: criteria provided, single submitter. Criteria: Invitae Variant Classification Sherloc (09022015). Collection method: clinical testing. Allele origin: germline.
Comment: In summary, the available evidence is currently insufficient to determine the role of this variant in disease. Therefore, it has been classified as a Variant of Uncertain Significance. Algorithms developed to predict the effect of missense changes on protein structure and function are either unavailable or do not agree on the potential impact of this missense change (SIFT: "Tolerated"; PolyPhen-2: "Probably Damaging"; Align-GVGD: "Class C0"). This variant has not been reported in the literature in individuals affected with CTC1-related conditions. This variant is not present in population databases (ExAC no frequency). This sequence change replaces leucine with valine at codon 586 of the CTC1 protein (p.Leu586Val). The leucine residue is moderately conserved and there is a small physicochemical difference between leucine and valine.

NM_025099.6(CTC1):c.1756C>G (p.Leu586Val)

Gene: CTC1 (CST telomere replication complex component 1; minus strand). Cytogenetic location: 17p13.1.
Variant type: single nucleotide variant.
Coding change: c.1756C>G on transcript NM_025099.6 (MANE Select); coding-DNA position 1756, C replaced by G.
Protein change: p.Leu586Val; replaces leucine 586 with valine.
Molecular consequence: missense variant. On other transcripts: non-coding transcript variant (1).
Genome position (GRCh38, 1-based): chr17:8,234,517, G>C on the plus strand (C>G on the coding strand, the complement: CTC1 is on the minus strand). VCF-style: chr17-8234517-G-C. GRCh37 (hg19) VCF-style: chr17-8137835-G-C.
Other names: short protein forms L586V.
Identifiers: ClinVar variation 1365369 (VCV001365369.6), dbSNP rs760274760, ClinGen allele CA397982726.
Genomic context (GRCh38, chr17:8,234,517, plus strand): 5'-GGGCTGGGCAGAAGGCAGAGGGCAGCAGACAGAGCCAGGACCAAGCCAGGCGGCGATTGA[G>C]TTGGCAGCTGGGCAGGTAGGAGGCCTCCGGGAGGGGCAGAAGGGCCTTAGGGTCAAAGGA-3'
Protein context (NP_079375.3, residues 576-596): PEASYLPSCQ[Leu586Val]NRRLAWSWLC